The following is an entry in ClinVar:

NM_000051.4(ATM):c.2151G>C (p.Arg717=)

Gene: ATM (ATM serine/threonine kinase; plus strand). Cytogenetic location: 11q22.3.
Variant type: single nucleotide variant.
Coding change: c.2151G>C on transcript NM_000051.4 (MANE Select); coding-DNA position 2151, G replaced by C.
Protein change: p.Arg717=; no amino-acid change (arginine 717 retained).
Molecular consequence: synonymous variant.
Genome position (GRCh38, 1-based): chr11:108,256,241, G>C. VCF-style: chr11-108256241-G-C. GRCh37 (hg19) VCF-style: chr11-108126968-G-C.
Other names: c.2151G>C, p.Arg717= (NM_001351834.2).
Identifiers: ClinVar variation 490456 (VCV000490456.14), dbSNP rs1331738032, ClinGen allele CA476672496.

ClinVar aggregate classification (germline): Benign/Likely benign. Review status: criteria provided, multiple submitters, no conflicts (2 of 4 stars). 4 submissions from 4 submitters: Benign (1); Likely benign (3). Last evaluated 2025-05-27.

Conditions:
Hereditary cancer-predisposing syndrome. Also called: Tumor predisposition; Neoplastic Syndromes, Hereditary; Hereditary Cancer Syndrome; Hereditary neoplastic syndrome. Identifiers: Orphanet 140162, MedGen C0027672, MeSH D009386, MONDO:0015356.
Familial cancer of breast. Also called: BREAST CANCER, FAMILIAL; hereditary breast carcinoma; Hereditary breast cancer. Identifiers: Orphanet 227535, MedGen C0346153, MONDO:0016419, OMIM 114480. Disease mechanism: loss of function.
Ataxia-telangiectasia syndrome (AT). Also called: Ataxia-telangiectasia; Ataxia-telangiectasia, complementation group D; AT, COMPLEMENTATION GROUP C; LOUIS-BAR SYNDROME; Cerebello-oculocutaneous telangiectasia; Immunodeficiency with ataxia telangiectasia. Identifiers: Orphanet 100, MedGen C0004135, MONDO:0008840, OMIM 208900.

Allele frequency attached by ClinVar (database versions not stated): gnomAD exomes below 0.00001; gnomAD 0.00003.
gnomAD v4.1: 2 of 1,608,348 alleles (0.00012%); highest among the groups gnomAD compares: Non-Finnish European, 0.00017%; no homozygotes.

Submissions (4):

Labcorp Genetics (formerly Invitae), Labcorp
Classification: Likely benign for Ataxia-telangiectasia syndrome. Last evaluated: 2025-05-27. Review status: criteria provided, single submitter. Criteria: Invitae Variant Classification Sherloc (09022015). Collection method: clinical testing. Allele origin: germline.

Myriad Genetics, Inc.
Classification: Benign for Familial cancer of breast. Last evaluated: 2024-05-07. Review status: criteria provided, single submitter. Criteria: Myriad Autosomal Dominant, Autosomal Recessive and X-Linked Classification Criteria (2023). Collection method: clinical testing. Allele origin: unknown.
Comment: This variant is considered benign. This variant is a silent/synonymous amino acid change and it is not expected to impact splicing.

Ambry Genetics
Classification: Likely benign for Hereditary cancer-predisposing syndrome. Last evaluated: 2020-10-28. Review status: criteria provided, single submitter. Criteria: Ambry Variant Classification Scheme 2023. Collection method: clinical testing. Allele origin: germline.

Color Diagnostics, LLC DBA Color Health
Classification: Likely benign for Hereditary cancer-predisposing syndrome. Last evaluated: 2017-02-26. Review status: criteria provided, single submitter. Criteria: ACMG Guidelines, 2015. Collection method: clinical testing. Allele origin: germline.